The following is an entry in ClinVar:

ClinVar aggregate classification (germline): Uncertain significance. Review status: criteria provided, single submitter (1 of 4 stars). 2 submissions from 2 submitters: Uncertain significance (1). 1 of the submissions does not count toward it. Last evaluated 2022-06-18.

Conditions:
Prostate cancer, hereditary, 1 (HPC1). Identifiers: Orphanet 1331, MedGen C4722327, MONDO:0011098, OMIM 601518.

Submissions (2):

Labcorp Genetics (formerly Invitae), Labcorp
Classification: Uncertain significance. Last evaluated: 2022-06-18. Review status: criteria provided, single submitter. Criteria: Invitae Variant Classification Sherloc (09022015). Collection method: clinical testing. Allele origin: germline.
Comment: In summary, the available evidence is currently insufficient to determine the role of this variant in disease. Therefore, it has been classified as a Variant of Uncertain Significance. Algorithms developed to predict the effect of missense changes on protein structure and function are either unavailable or do not agree on the potential impact of this missense change (SIFT: "Tolerated"; PolyPhen-2: "Probably Damaging"; Align-GVGD: "Class C0"). ClinVar contains an entry for this variant (Variation ID: 691216). This variant has not been reported in the literature in individuals affected with HOXB13-related conditions. This variant is not present in population databases (gnomAD no frequency). This sequence change replaces glutamic acid, which is acidic and polar, with aspartic acid, which is acidic and polar, at codon 271 of the HOXB13 protein (p.Glu271Asp).

Laboratory of Virology, Microbiology,  Quality and Medical Biotechnologies, Faculty of Sciences and Techniques - Mohammedia, Hassan II University of Casablanca
Classification: Uncertain significance for Prostate cancer, hereditary, 1. Review status: no assertion criteria provided. Collection method: clinical testing. Allele origin: somatic. Affected: yes. Not counted in ClinVar's aggregate classification.

NM_006361.6(HOXB13):c.813G>T (p.Glu271Asp)

Gene: HOXB13 (homeobox B13; minus strand). Cytogenetic location: 17q21.32.
Variant type: single nucleotide variant.
Coding change: c.813G>T on transcript NM_006361.6 (MANE Select); coding-DNA position 813, G replaced by T.
Protein change: p.Glu271Asp; replaces glutamic acid 271 with aspartic acid.
Molecular consequence: missense variant.
Genome position (GRCh38, 1-based): chr17:48,726,832, C>A on the plus strand (G>T on the coding strand, the complement: HOXB13 is on the minus strand). VCF-style: chr17-48726832-C-A. GRCh37 (hg19) VCF-style: chr17-46804194-C-A.
Other names: short protein forms E271D.
Identifiers: ClinVar variation 691216 (VCV000691216.6), dbSNP rs1597932461, ClinGen allele CA400105463.